The following is an entry in ClinVar:

ClinVar aggregate classification (germline): Uncertain significance. Review status: criteria provided, single submitter (1 of 4 stars). 2 submissions from 2 submitters: Uncertain significance (1). 1 of the submissions does not count toward it. Last evaluated 2023-09-14.

Conditions:
Hypertrophic cardiomyopathy. Also called: HYPERTROPHIC MYOCARDIOPATHY. Identifiers: Orphanet 217569, MedGen C0007194, MeSH D002312, MONDO:0005045, HP:0001639.

Submissions (2):

Labcorp Genetics (formerly Invitae), Labcorp
Classification: Uncertain significance for Hypertrophic cardiomyopathy. Last evaluated: 2023-09-14. Review status: criteria provided, single submitter. Criteria: Invitae Variant Classification Sherloc (09022015). Collection method: clinical testing. Allele origin: germline.
Comment: This sequence change replaces alanine, which is neutral and non-polar, with serine, which is neutral and polar, at codon 1124 of the MYH7 protein (p.Ala1124Ser). This variant is not present in population databases (gnomAD no frequency). This variant has not been reported in the literature in individuals affected with MYH7-related conditions. ClinVar contains an entry for this variant (Variation ID: 164302). Advanced modeling of protein sequence and biophysical properties (such as structural, functional, and spatial information, amino acid conservation, physicochemical variation, residue mobility, and thermodynamic stability) performed at Invitae indicates that this missense variant is expected to disrupt MYH7 protein function. In summary, the available evidence is currently insufficient to determine the role of this variant in disease. Therefore, it has been classified as a Variant of Uncertain Significance.

Laboratory for Molecular Medicine, Mass General Brigham Personalized Medicine
Classification: Uncertain significance. Last evaluated: 2014-04-08. Review status: no assertion criteria provided. Collection method: clinical testing. Allele origin: germline. Observed: 1 variant allele. Not counted in ClinVar's aggregate classification.
Comment: proposed classification - variant undergoing re-assessment, contact laboratory

NM_000257.4(MYH7):c.3370G>T (p.Ala1124Ser)

Gene: MYH7 (myosin heavy chain 7; minus strand). Cytogenetic location: 14q11.2.
Variant type: single nucleotide variant.
Coding change: c.3370G>T on transcript NM_000257.4 (MANE Select); coding-DNA position 3370, G replaced by T.
Protein change: p.Ala1124Ser; replaces alanine 1124 with serine.
Molecular consequence: missense variant.
Genome position (GRCh38, 1-based): chr14:23,420,201, C>A on the plus strand (G>T on the coding strand, the complement: MYH7 is on the minus strand). VCF-style: chr14-23420201-C-A. GRCh37 (hg19) VCF-style: chr14-23889410-C-A.
Other names: short protein forms A1124S.
Identifiers: ClinVar variation 164302 (VCV000164302.7), dbSNP rs1041961, ClinGen allele CA013644.